The following is an entry in ClinVar:

ClinVar aggregate classification (germline): Uncertain significance (1 of 4 stars; one submission).

Submission:

Labcorp Genetics (formerly Invitae), Labcorp
Classification: Uncertain significance. Last evaluated: 2022-10-24. Review status: criteria provided, single submitter. Criteria: Invitae Variant Classification Sherloc (09022015). Collection method: clinical testing. Allele origin: germline.
Comment: In summary, the available evidence is currently insufficient to determine the role of this variant in disease. Therefore, it has been classified as a Variant of Uncertain Significance. Variants that disrupt the consensus splice site are a relatively common cause of aberrant splicing (PMID: 17576681, 9536098). Algorithms developed to predict the effect of sequence changes on RNA splicing suggest that this variant is not likely to affect RNA splicing. ClinVar contains an entry for this variant (Variation ID: 1449992). This variant has not been reported in the literature in individuals affected with ASNS-related conditions. This variant is not present in population databases (gnomAD no frequency). This sequence change falls in intron 5 of the ASNS gene. It does not directly change the encoded amino acid sequence of the ASNS protein. It affects a nucleotide within the consensus splice site.

Literature cited by the submitters: PubMed 17576681; PubMed 9536098.

NM_001673.5(ASNS):c.673+5C>T

Genes: ASNS (asparagine synthetase (glutamine-hydrolyzing); minus strand), CZ1P-ASNS (CZ1P-ASNS readthrough; minus strand). Cytogenetic location: 7q21.3.
Variant type: single nucleotide variant.
Coding change: c.673+5C>T on transcript NM_001673.5 (MANE Select); 5 bases into the intron after coding-DNA position 673, C replaced by T.
Molecular consequence: intron variant.
Genome position (GRCh38, 1-based): chr7:97,859,208, G>A on the plus strand (C>T on the coding strand, the complement: ASNS is on the minus strand). VCF-style: chr7-97859208-G-A. GRCh37 (hg19) VCF-style: chr7-97488520-G-A.
Other names: c.673+5C>T (NM_001352496.2, NM_183356.4, NM_133436.3); c.424+5C>T (NM_001178076.2, NM_001178077.1); c.610+5C>T (NM_001178075.2).
Identifiers: ClinVar variation 1449992 (VCV001449992.4), dbSNP rs2115658349, ClinGen allele CA2573142484.